The following is an entry in ClinVar:

NM_002599.5(PDE2A):c.194G>A (p.Arg65His)

Gene: PDE2A (phosphodiesterase 2A; minus strand). Cytogenetic location: 11q13.4.
Variant type: single nucleotide variant.
Coding change: c.194G>A on transcript NM_002599.5 (MANE Select); coding-DNA position 194, G replaced by A.
Protein change: p.Arg65His; replaces arginine 65 with histidine.
Molecular consequence: missense variant.
Genome position (GRCh38, 1-based): chr11:72,608,702, C>T on the plus strand (G>A on the coding strand, the complement: PDE2A is on the minus strand). VCF-style: chr11-72608702-C-T. GRCh37 (hg19) VCF-style: chr11-72319746-C-T.
Other names: c.173G>A, p.Arg58His (NM_001143839.4); c.167G>A, p.Arg56His (NM_001146209.3); c.131G>A, p.Arg44His (NM_001243784.2); short protein forms R44H, R56H, R65H, R58H.
Identifiers: ClinVar variation 1516652 (VCV001516652.6), dbSNP rs1198044269, ClinGen allele CA381773355.

ClinVar aggregate classification (germline): Uncertain significance (1 of 4 stars; one submission).

gnomAD v4.1: 19 of 1,577,300 alleles (0.0012%); highest among the groups gnomAD compares: East Asian, 0.027%; no homozygotes.

Submission:

Labcorp Genetics (formerly Invitae), Labcorp
Classification: Uncertain significance. Last evaluated: 2025-10-21. Review status: criteria provided, single submitter. Criteria: Invitae Variant Classification Sherloc (09022015). Collection method: clinical testing. Allele origin: germline.
Comment: This sequence change replaces arginine, which is basic and polar, with histidine, which is basic and polar, at codon 65 of the PDE2A protein (p.Arg65His). The frequency data for this variant in the population databases is considered unreliable, as metrics indicate poor data quality at this position in the gnomAD database. This variant has not been reported in the literature in individuals affected with PDE2A-related conditions. ClinVar contains an entry for this variant (Variation ID: 1516652). An algorithm developed to predict the effect of missense changes on protein structure and function (PolyPhen-2) suggests that this variant is likely to be tolerated. In summary, the available evidence is currently insufficient to determine the role of this variant in disease. Therefore, it has been classified as a Variant of Uncertain Significance.